The following is an entry in ClinVar:

NM_020533.3(MCOLN1):c.201G>A (p.Met67Ile)

Gene: MCOLN1 (mucolipin TRP cation channel 1; plus strand). Cytogenetic location: 19p13.2.
Variant type: single nucleotide variant.
Coding change: c.201G>A on transcript NM_020533.3 (MANE Select); coding-DNA position 201, G replaced by A.
Protein change: p.Met67Ile; replaces methionine 67 with isoleucine.
Molecular consequence: missense variant.
Genome position (GRCh38, 1-based): chr19:7,525,130, G>A. VCF-style: chr19-7525130-G-A. GRCh37 (hg19) VCF-style: chr19-7590016-G-A.
Other names: short protein forms M67I.
Identifiers: ClinVar variation 3603802 (VCV003603802.2).

ClinVar aggregate classification (germline): Uncertain significance (1 of 4 stars; one submission).

Conditions:
Mucolipidosis type IV (ML4). Also called: ML IV. Identifiers: Orphanet 578, MedGen C0238286, MONDO:0009653, OMIM 252650.

Submission:

Labcorp Genetics (formerly Invitae), Labcorp
Classification: Uncertain significance for Mucolipidosis type IV. Last evaluated: 2024-07-02. Review status: criteria provided, single submitter. Criteria: Invitae Variant Classification Sherloc (09022015). Collection method: clinical testing. Allele origin: germline.
Comment: This sequence change replaces methionine, which is neutral and non-polar, with isoleucine, which is neutral and non-polar, at codon 67 of the MCOLN1 protein (p.Met67Ile). This variant is not present in population databases (gnomAD no frequency). This variant has not been reported in the literature in individuals affected with MCOLN1-related conditions. Advanced modeling of protein sequence and biophysical properties (such as structural, functional, and spatial information, amino acid conservation, physicochemical variation, residue mobility, and thermodynamic stability) performed at Invitae indicates that this missense variant is not expected to disrupt MCOLN1 protein function with a negative predictive value of 95%. In summary, the available evidence is currently insufficient to determine the role of this variant in disease. Therefore, it has been classified as a Variant of Uncertain Significance.